The following is an entry in ClinVar:

ClinVar aggregate classification (germline): Benign (0 of 4 stars; one submission).

Conditions:
KCNJ12-related disorder. Also called: KCNJ12-related condition.

Allele frequency attached by ClinVar (database versions not stated): ExAC 0.49261.

Submission:

PreventionGenetics, part of Exact Sciences
Classification: Benign for KCNJ12-related condition. Last evaluated: 2019-10-17. Review status: no assertion criteria provided. Collection method: clinical testing. Allele origin: germline.
Comment: This variant is classified as benign based on ACMG/AMP sequence variant interpretation guidelines (Richards et al. 2015 PMID: 25741868, with internal and published modifications).

NM_021012.5(KCNJ12):c.213G>A (p.Met71Ile)

Gene: KCNJ12 (potassium inwardly rectifying channel subfamily J member 12; plus strand). Cytogenetic location: 17p11.2.
Variant type: single nucleotide variant.
Coding change: c.213G>A on transcript NM_021012.5 (MANE Select); coding-DNA position 213, G replaced by A.
Protein change: p.Met71Ile; replaces methionine 71 with isoleucine.
Molecular consequence: missense variant.
Genome position (GRCh38, 1-based): chr17:21,415,555, G>A. VCF-style: chr17-21415555-G-A. GRCh37 (hg19) VCF-style: chr17-21318867-G-A.
Other names: short protein forms M71I.
Identifiers: ClinVar variation 3059688 (VCV003059688.2), dbSNP rs73979893, ClinGen allele CA8451033.